The following is an entry in ClinVar:

NM_000059.4(BRCA2):c.2558A>G (p.Gln853Arg)

Gene: BRCA2 (BRCA2 DNA repair associated; plus strand). Cytogenetic location: 13q13.1.
Variant type: single nucleotide variant.
Coding change: c.2558A>G on transcript NM_000059.4 (MANE Select); coding-DNA position 2558, A replaced by G.
Protein change: p.Gln853Arg; replaces glutamine 853 with arginine.
Molecular consequence: missense variant.
Genome position (GRCh38, 1-based): chr13:32,336,913, A>G. VCF-style: chr13-32336913-A-G. GRCh37 (hg19) VCF-style: chr13-32911050-A-G.
Other names: short protein forms Q853R.
Identifiers: ClinVar variation 142112 (VCV000142112.30), dbSNP rs56245590, ClinGen allele CA015641.
Genomic context (GRCh38, chr13:32,336,913, plus strand): 5'-TGTTGCCACCTGAAAAATACATGAGAGTAGCATCACCTTCAAGAAAGGTACAATTCAACC[A>G]AAACACAAATCTAAGAGTAATCCAAAAAAATCAAGAAGAAACTACTTCAATTTCAAAAAT-3'
Protein context (NP_000050.3, residues 843-863): ASPSRKVQFN[Gln853Arg]NTNLRVIQKN

ClinVar aggregate classification (germline): Conflicting classifications of pathogenicity. Review status: criteria provided, conflicting classifications (1 of 4 stars). 7 submissions from 7 submitters: Uncertain significance (5); Likely benign (2). Last evaluated 2025-04-13.

Conditions:
Hereditary cancer-predisposing syndrome. Also called: Neoplastic Syndromes, Hereditary; Tumor predisposition; Hereditary Cancer Syndrome; Hereditary neoplastic syndrome. Identifiers: Orphanet 140162, MedGen C0027672, MeSH D009386, MONDO:0015356.
Hereditary breast ovarian cancer syndrome. Also called: Breast and ovarian cancer; Hereditary breast and ovarian cancer; Hereditary breast and/or ovarian cancer syndrome; BRCA1- and BRCA2-Associated Hereditary Breast and Ovarian Cancer; Hereditary breast and ovarian cancer syndrome; Hereditary breast and ovarian cancer syndrome (HBOC). Identifiers: Orphanet 145, MedGen C0677776, MeSH D061325, MONDO:0003582. Disease mechanism: loss of function.

Allele frequency attached by ClinVar (database versions not stated): gnomAD exomes below 0.00001; TOPMed below 0.00001.
gnomAD v4.1: 2 of 1,607,362 alleles (0.00012%); highest among the groups gnomAD compares: Non-Finnish European, 0.00017%; no homozygotes.

Submissions (7):

Ambry Genetics
Classification: Likely benign for Hereditary cancer-predisposing syndrome. Last evaluated: 2025-04-13. Review status: criteria provided, single submitter. Criteria: Ambry Variant Classification Scheme 2023. Collection method: clinical testing. Allele origin: germline.

Labcorp Genetics (formerly Invitae), Labcorp
Classification: Uncertain significance for Hereditary breast ovarian cancer syndrome. Last evaluated: 2025-02-11. Review status: criteria provided, single submitter. Criteria: Invitae Variant Classification Sherloc (09022015). Collection method: clinical testing. Allele origin: germline.
Comment: This sequence change replaces glutamine, which is neutral and polar, with arginine, which is basic and polar, at codon 853 of the BRCA2 protein (p.Gln853Arg). This variant is not present in population databases (gnomAD no frequency). This variant has not been reported in the literature in individuals affected with BRCA2-related conditions. ClinVar contains an entry for this variant (Variation ID: 142112). Invitae Evidence Modeling of protein sequence and biophysical properties (such as structural, functional, and spatial information, amino acid conservation, physicochemical variation, residue mobility, and thermodynamic stability) indicates that this missense variant is not expected to disrupt BRCA2 protein function with a negative predictive value of 95%. In summary, the available evidence is currently insufficient to determine the role of this variant in disease. Therefore, it has been classified as a Variant of Uncertain Significance.

GeneDx
Classification: Uncertain significance. Last evaluated: 2024-01-03. Review status: criteria provided, single submitter. Criteria: GeneDx Variant Classification Process June 2021. Collection method: clinical testing. Allele origin: germline. Affected: yes.
Comment: Not observed at significant frequency in large population cohorts (gnomAD); In silico analysis supports that this missense variant does not alter protein structure/function; Has not been previously published as pathogenic or benign to our knowledge; Also known as 2786A>G

University of Washington Department of Laboratory Medicine, University of Washington
Classification: Likely benign for Hereditary cancer-predisposing syndrome. Last evaluated: 2023-03-23. Review status: criteria provided, single submitter. Criteria: Dines et al. (Genet Med. 2020). Collection method: curation. Allele origin: germline.
Comment: Missense variant in a coldspot region where missense variants are very unlikely to be pathogenic (PMID:31911673).

BRCA2 exon 11 coldspot. Reclassification based on statistical prior probability.

Color Diagnostics, LLC DBA Color Health
Classification: Uncertain significance for Hereditary cancer-predisposing syndrome. Last evaluated: 2023-02-06. Review status: criteria provided, single submitter. Criteria: ACMG Guidelines, 2015. Collection method: clinical testing. Allele origin: germline.
Comment: This missense variant replaces glutamine with arginine at codon 853 of the BRCA2 protein. Computational prediction suggests that this variant may not impact protein structure and function (internally defined REVEL score threshold <= 0.5, PMID: 27666373). To our knowledge, functional studies have not been reported for this variant. This variant has not been reported in individuals affected with hereditary cancer in the literature. This variant has not been identified in the general population by the Genome Aggregation Database (gnomAD). The available evidence is insufficient to determine the role of this variant in disease conclusively. Therefore, this variant is classified as a Variant of Uncertain Significance.

ARUP Laboratories, Molecular Genetics and Genomics, ARUP Laboratories
Classification: Uncertain significance. Last evaluated: 2019-04-16. Review status: criteria provided, single submitter. Criteria: ARUP Molecular Germline Variant Investigation Process. Collection method: clinical testing. Allele origin: germline.
Comment: The BRCA2 c.2558A>G; p.Gln853Arg variant (rs56245590), to our knowledge, is not reported in the medical literature but is reported in ClinVar (Variation ID: 142112). This variant is absent from general population databases (Exome Variant Server, Genome Aggregation Database), indicating it is not a common polymorphism. The glutamine at codon 853 is moderately conserved, but computational analyses (SIFT, PolyPhen-2) predict that this variant is tolerated. However, given the lack of clinical and functional data, the significance of this variant is uncertain at this time.

CSER _CC_NCGL, University of Washington
Classification: Uncertain significance for Hereditary Breast and Ovarian Cancer Syndrome. Last evaluated: 2015-03-11. Review status: criteria provided, single submitter. Criteria: Amendola et al. (Genome Res. 2015). Collection method: research. Allele origin: germline. Inheritance: Autosomal dominant inheritance. Study: CSER - NEXT Medicine variant annotation.